The following is an entry in ClinVar:

NM_000051.4(ATM):c.6997A>T (p.Thr2333Ser)

Genes: ATM (ATM serine/threonine kinase; plus strand), C11orf65 (chromosome 11 open reading frame 65; minus strand). Cytogenetic location: 11q22.3.
Variant type: single nucleotide variant.
Coding change: c.6997A>T on transcript NM_000051.4 (MANE Select); coding-DNA position 6997, A replaced by T.
Protein change: p.Thr2333Ser; replaces threonine 2333 with serine.
Molecular consequence: missense variant. On other transcripts: intron variant (2).
Genome position (GRCh38, 1-based): chr11:108,327,666, A>T. VCF-style: chr11-108327666-A-T. GRCh37 (hg19) VCF-style: chr11-108198393-A-T.
Other names: c.6997A>T, p.Thr2333Ser (NM_001351834.2); c.641-18595T>A (NM_001330368.2); c.*38+7554T>A (NM_001351110.2); short protein forms T2333S.
Identifiers: ClinVar variation 3325540 (VCV003325540.1).

ClinVar aggregate classification (germline): Uncertain significance (1 of 4 stars; one submission).

Conditions:
Hereditary cancer-predisposing syndrome. Also called: Neoplastic Syndromes, Hereditary; Tumor predisposition; Hereditary Cancer Syndrome; Hereditary neoplastic syndrome. Identifiers: Orphanet 140162, MedGen C0027672, MeSH D009386, MONDO:0015356.

Submission:

Ambry Genetics
Classification: Uncertain significance for Hereditary cancer-predisposing syndrome. Last evaluated: 2024-04-29. Review status: criteria provided, single submitter. Criteria: Ambry Variant Classification Scheme 2023. Collection method: clinical testing. Allele origin: germline.
Comment: The p.T2333S variant (also known as c.6997A>T), located in coding exon 47 of the ATM gene, results from an A to T substitution at nucleotide position 6997. The threonine at codon 2333 is replaced by serine, an amino acid with similar properties. This amino acid position is poorly conserved in available vertebrate species. In addition, this alteration is predicted to be tolerated by in silico analysis. Based on the available evidence, the clinical significance of this variant remains unclear.